The following is an entry in ClinVar:

NM_000214.3(JAG1):c.54C>G (p.Leu18=)

Gene: JAG1 (jagged canonical Notch ligand 1; minus strand). Cytogenetic location: 20p12.2.
Variant type: single nucleotide variant.
Coding change: c.54C>G on transcript NM_000214.3 (MANE Select); coding-DNA position 54, C replaced by G.
Protein change: p.Leu18=; no amino-acid change (leucine 18 retained).
Molecular consequence: synonymous variant.
Genome position (GRCh38, 1-based): chr20:10,673,477, G>C on the plus strand (C>G on the coding strand, the complement: JAG1 is on the minus strand). VCF-style: chr20-10673477-G-C. GRCh37 (hg19) VCF-style: chr20-10654125-G-C.
Identifiers: ClinVar variation 3573042 (VCV003573042.2).

Conditions:
Arteriohepatic dysplasia. Also called: Alagille Syndrome. Identifiers: Orphanet 52, MedGen C0085280, MeSH D016738, MONDO:0007318.

Submission:

Gilbert/Spinner Lab, Children's Hospital of Philadelphia
No classification provided (evidence only). Condition: Alagille syndrome. Review status: no classification provided. Collection method: research. Allele origin: not applicable. Functional consequence: functionally_abnormal.
ClinVar note: "not provided" was previously submitted as the classification for the variant. However, the classification appeared to be based only on an observation of functional data so it was converted to no classification on 2025-07-30.